The following is an entry in ClinVar:

ClinVar aggregate classification (germline): Uncertain significance (1 of 4 stars; one submission).

Conditions:
Leukodystrophy, hypomyelinating, 6. Also called: LEUKODYSTROPHY, HYPOMYELINATING, WITH ATROPHY OF THE BASAL GANGLIA AND CEREBELLUM; TUBB4A-Associated Leukodystrophy; Hypomyelination with Atrophy of Basal Ganglia and Cerebellum (H-ABC). Identifiers: Orphanet 139441, MedGen C2676244, MONDO:0012905, OMIM 612438.

Submission:

Labcorp Genetics (formerly Invitae), Labcorp
Classification: Uncertain significance for Leukodystrophy, hypomyelinating, 6. Last evaluated: 2024-04-13. Review status: criteria provided, single submitter. Criteria: Invitae Variant Classification Sherloc (09022015). Collection method: clinical testing. Allele origin: germline.
Comment: This sequence change replaces aspartic acid, which is acidic and polar, with asparagine, which is neutral and polar, at codon 295 of the TUBB4A protein (p.Asp295Asn). This variant is not present in population databases (gnomAD no frequency). This missense change has been observed in individual(s) with dystonia (PMID: 32943487). Advanced modeling of protein sequence and biophysical properties (such as structural, functional, and spatial information, amino acid conservation, physicochemical variation, residue mobility, and thermodynamic stability) performed at Invitae indicates that this missense variant is not expected to disrupt TUBB4A protein function with a negative predictive value of 80%. In summary, the available evidence is currently insufficient to determine the role of this variant in disease. Therefore, it has been classified as a Variant of Uncertain Significance.

Literature cited by the submitters: PubMed 32943487.

NM_006087.4(TUBB4A):c.883G>A (p.Asp295Asn)

Gene: TUBB4A (tubulin beta 4A class IVa; minus strand). Cytogenetic location: 19p13.3.
Variant type: single nucleotide variant.
Coding change: c.883G>A on transcript NM_006087.4 (MANE Select); coding-DNA position 883, G replaced by A.
Protein change: p.Asp295Asn; replaces aspartic acid 295 with asparagine.
Molecular consequence: missense variant.
Genome position (GRCh38, 1-based): chr19:6,495,616, C>T on the plus strand (G>A on the coding strand, the complement: TUBB4A is on the minus strand). VCF-style: chr19-6495616-C-T. GRCh37 (hg19) VCF-style: chr19-6495627-C-T.
Other names: c.667G>A, p.Asp223Asn (NM_001289131.2, NM_001289130.2); c.1036G>A, p.Asp346Asn (NM_001289123.2); c.1018G>A, p.Asp340Asn (NM_001289127.2); c.883G>A, p.Asp295Asn (NM_001289129.2); short protein forms D223N, D295N, D346N, D340N.
Identifiers: ClinVar variation 3700773 (VCV003700773.2).